The following is an entry in ClinVar:

ClinVar aggregate classification (germline): Uncertain significance. Review status: criteria provided, multiple submitters, no conflicts (2 of 4 stars). 4 submissions from 4 submitters: Uncertain significance (4). Last evaluated 2025-03-24.

Conditions:
PIEZO1-related disorder. Also called: PIEZO1-related condition; PIEZO1-Related Disorders.
Inborn genetic diseases. Identifiers: MedGen C0950123, MeSH D030342.

gnomAD v4.1: 303 of 1,550,056 alleles (0.02%); highest among the groups gnomAD compares: South Asian, 0.024%; 1 homozygote.

Submissions (4):

Ambry Genetics
Classification: Uncertain significance for Inborn genetic diseases. Last evaluated: 2025-03-24. Review status: criteria provided, single submitter. Criteria: Ambry Variant Classification Scheme 2023. Collection method: clinical testing. Allele origin: germline.

PreventionGenetics, part of Exact Sciences
Classification: Uncertain significance for PIEZO1-related condition. Last evaluated: 2025-01-25. Review status: criteria provided, single submitter. Criteria: ACMG Guidelines, 2015. Collection method: clinical testing. Allele origin: germline.
Comment: The PIEZO1 c.5309C>T variant is predicted to result in the amino acid substitution p.Pro1770Leu. To our knowledge, this variant has not been reported in the literature. This variant is reported in 0.030% of alleles in individuals of African descent in gnomAD. Although we suspect that this variant may be benign, at this time, the clinical significance of this variant is uncertain due to the absence of conclusive functional and genetic evidence.

Revvity Omics, Revvity
Classification: Uncertain significance. Last evaluated: 2024-11-26. Review status: criteria provided, single submitter. Criteria: ACMG Guidelines, 2015. Collection method: clinical testing. Allele origin: germline.

ARUP Laboratories, Molecular Genetics and Genomics, ARUP Laboratories
Classification: Uncertain significance. Last evaluated: 2024-09-06. Review status: criteria provided, single submitter. Criteria: ARUP Molecular Germline Variant Investigation Process 2024. Collection method: clinical testing. Allele origin: germline.
Comment: The PIEZO1 c.5309C>T; p.Pro1770Leu variant (rs778513046), to our knowledge, is not reported in the medical literature or gene specific databases. This variant is found in the general population with an overall allele frequency of 0.019% (36/186,444 alleles) in the Genome Aggregation Database (v2.1.1). Computational analyses are uncertain whether this variant is neutral or deleterious (REVEL: 0.273). Due to limited information, the clinical significance of this variant is uncertain at this time.

NM_001142864.4(PIEZO1):c.5309C>T (p.Pro1770Leu)

Gene: PIEZO1 (piezo type mechanosensitive ion channel component 1 (Er blood group); minus strand). Cytogenetic location: 16q24.3.
Variant type: single nucleotide variant.
Coding change: c.5309C>T on transcript NM_001142864.4 (MANE Select); coding-DNA position 5309, C replaced by T.
Protein change: p.Pro1770Leu; replaces proline 1770 with leucine.
Molecular consequence: missense variant.
Genome position (GRCh38, 1-based): chr16:88,721,632, G>A on the plus strand (C>T on the coding strand, the complement: PIEZO1 is on the minus strand). VCF-style: chr16-88721632-G-A. GRCh37 (hg19) VCF-style: chr16-88788040-G-A.
Other names: c.5309C>T (NM_001142864.2, NM_001142864.3); short protein forms P1770L.
Identifiers: ClinVar variation 3766819 (VCV003766819.4).